The following is an entry in ClinVar:

ClinVar aggregate classification (germline): Uncertain significance (1 of 4 stars; one submission).

gnomAD v4.1: 1 of 1,613,426 alleles (0.000062%); highest among the groups gnomAD compares: Non-Finnish European, 0.000085%; no homozygotes.

Submission:

Dasa
Classification: Uncertain significance. Last evaluated: 2024-12-30. Review status: criteria provided, single submitter. Criteria: DASA Assertion Criteria. Collection method: clinical testing. Allele origin: germline.
Comment: NM_001148.6(ANK2):c.10805G>T (p.Arg3602Leu) is a missense variant that results in the substitution of arginine with leucine. This variant is rare in population databases. Computational prediction algorithms are consistent with a deleterious effect. The currently available literature and clinical evidence are not sufficient to establish a definitive association between this variant and the reported condition. Therefore, this variant is classified as a variant of uncertain significance.

NM_001148.6(ANK2):c.10805G>T (p.Arg3602Leu)

Gene: ANK2 (ankyrin 2; plus strand). Cytogenetic location: 4q26.
Variant type: single nucleotide variant.
Coding change: c.10805G>T on transcript NM_001148.6 (MANE Select); coding-DNA position 10805, G replaced by T.
Protein change: p.Arg3602Leu; replaces arginine 3602 with leucine.
Molecular consequence: missense variant.
Genome position (GRCh38, 1-based): chr4:113,363,386, G>T. VCF-style: chr4-113363386-G-T. GRCh37 (hg19) VCF-style: chr4-114284542-G-T.
Other names: c.4388G>T, p.Arg1463Leu (NM_001354275.2, NM_001354245.2, NM_001354262.2); c.4364G>T, p.Arg1455Leu (NM_001354276.2, NM_001386162.1, NM_001354249.2 and 2 more transcripts); c.4166G>T, p.Arg1389Leu (NM_001354277.2, NM_001386157.1); c.2078G>T, p.Arg693Leu (NM_001354278.2, NM_001354281.2); c.2114G>T, p.Arg705Leu (NM_001354279.2, NM_001354282.2); c.2099G>T, p.Arg700Leu (NM_001354280.2); c.10571G>T, p.Arg3524Leu (NM_001386142.1); c.4487G>T, p.Arg1496Leu (NM_001386143.1, NM_001354243.2, NM_001354255.2); and 35 more; short protein forms R1356L, R1389L, R1417L, R1422L, R1430L, R1439L, R1442L, R1444L.
Identifiers: ClinVar variation 4886669 (VCV004886669.2).